The following is an entry in ClinVar:

ClinVar aggregate classification (germline): Likely benign. Review status: criteria provided, multiple submitters, no conflicts (2 of 4 stars). 5 submissions from 5 submitters: Likely benign (4). 1 of the submissions does not count toward it. Last evaluated 2026-05-11.

Conditions:
Cardiovascular phenotype. Identifiers: MedGen CN230736.
ZNF469-related disorder. Also called: ZNF469-related condition.

Allele frequency attached by ClinVar (database versions not stated): gnomAD exomes 0.00001 and 0.00002; TOPMed 0.00008; gnomAD 0.00006.
gnomAD v4.1: 34 of 1,550,332 alleles (0.0022%); highest among the groups gnomAD compares: Middle Eastern, 0.017%; no homozygotes.

Submissions (5):

Women's Health and Genetics/Laboratory Corporation of America, LabCorp
Classification: Likely benign. Last evaluated: 2026-05-11. Review status: criteria provided, single submitter. Criteria: LabCorp Variant Classification Summary - May 2015. Collection method: clinical testing. Allele origin: germline.

Labcorp Genetics (formerly Invitae), Labcorp
Classification: Likely benign. Last evaluated: 2026-01-25. Review status: criteria provided, single submitter. Criteria: Invitae Variant Classification Sherloc (09022015). Collection method: clinical testing. Allele origin: germline.

Ambry Genetics
Classification: Likely benign for Cardiovascular phenotype. Last evaluated: 2020-08-12. Review status: criteria provided, single submitter. Criteria: Ambry Variant Classification Scheme 2023. Collection method: clinical testing. Allele origin: germline.

Breakthrough Genomics
Classification: Likely benign. Review status: criteria provided, single submitter. Criteria: ACMG Guidelines, 2015. Collection method: not provided. Allele origin: germline. Inheritance: Autosomal recessive inheritance. Affected: yes.

PreventionGenetics, part of Exact Sciences
Classification: Likely benign for ZNF469-related condition. Last evaluated: 2023-08-24. Review status: no assertion criteria provided. Collection method: clinical testing. Allele origin: germline. Not counted in ClinVar's aggregate classification.
Comment: This variant is classified as likely benign based on ACMG/AMP sequence variant interpretation guidelines (Richards et al. 2015 PMID: 25741868, with internal and published modifications).

NM_001367624.2(ZNF469):c.6651G>A (p.Gly2217=)

Gene: ZNF469 (zinc finger protein 469; plus strand). Cytogenetic location: 16q24.2.
Variant type: single nucleotide variant.
Coding change: c.6651G>A on transcript NM_001367624.2 (MANE Select); coding-DNA position 6651, G replaced by A.
Protein change: p.Gly2217=; no amino-acid change (glycine 2217 retained).
Molecular consequence: synonymous variant.
Genome position (GRCh38, 1-based): chr16:88,434,121, G>A. VCF-style: chr16-88434121-G-A. GRCh37 (hg19) VCF-style: chr16-88500529-G-A.
Other names: NM_001127464.1:c.6567G>A; NM_001127464.2:c.6567G>A.
Identifiers: ClinVar variation 1640608 (VCV001640608.14), dbSNP rs924712683, ClinGen allele CA286381825.